The following is an entry in ClinVar:

ClinVar aggregate classification (germline): Uncertain significance (1 of 4 stars; one submission).

Submission:

Labcorp Genetics (formerly Invitae), Labcorp
Classification: Uncertain significance. Last evaluated: 2026-01-05. Review status: criteria provided, single submitter. Criteria: Invitae Variant Classification Sherloc (09022015). Collection method: clinical testing. Allele origin: germline.
Comment: This sequence change creates a premature translational stop signal (p.Gln401Argfs*28) in the ANKZF1 gene. It is expected to result in an absent or disrupted protein product. However, the current clinical and genetic evidence is not sufficient to establish whether loss-of-function variants in ANKZF1 cause disease. This variant is present in population databases (no rsID available, gnomAD 0.009%). This variant has not been reported in the literature in individuals affected with ANKZF1-related conditions. ClinVar contains an entry for this variant (Variation ID: 3669425). In summary, the available evidence is currently insufficient to determine the role of this variant in disease. Therefore, it has been classified as a Variant of Uncertain Significance.

NM_018089.3(ANKZF1):c.1202_1203del (p.Gln401fs)

Gene: ANKZF1 (ankyrin repeat and zinc finger peptidyl tRNA hydrolase 1; plus strand). Cytogenetic location: 2q35.
Variant type: Deletion.
Coding change: c.1202_1203del on transcript NM_018089.3 (MANE Select); coding-DNA positions 1202 to 1203, 2 bases deleted (AG; older notation c.1202_1203delAG).
Protein change: p.Gln401fs; shifts the reading frame from glutamine 401.
Molecular consequence: frameshift variant.
Genome position (GRCh38, 1-based): chr2:219,234,286-219,234,287, AG deleted. VCF-style (leftmost placement, unchanged base first): chr2-219234285-CAG-C. GRCh37 (hg19) VCF-style: chr2-220099007-CAG-C.
Other names: c.1202_1203del, p.Gln401fs (NM_001042410.2); c.572_573del, p.Gln191fs (NM_001282792.2); short protein forms Q191fs, Q401fs.
Identifiers: ClinVar variation 3669425 (VCV003669425.2).